The following is an entry in ClinVar:

NM_006206.6(PDGFRA):c.*1137G>A

Gene: PDGFRA (platelet derived growth factor receptor alpha; plus strand). Cytogenetic location: 4q12.
Variant type: single nucleotide variant.
Coding change: c.*1137G>A on transcript NM_006206.6 (MANE Select); 1137 bases downstream of the stop codon, G replaced by A.
Molecular consequence: 3 prime UTR variant.
Genome position (GRCh38, 1-based): chr4:54,296,409, G>A. VCF-style: chr4-54296409-G-A. GRCh37 (hg19) VCF-style: chr4-55162576-G-A.
Other names: c.*1137G>A (NM_001347828.2, NM_001347829.2, NM_001347830.2).
Identifiers: ClinVar variation 348928 (VCV000348928.6), dbSNP rs55710909, ClinGen allele CA10617830.

ClinVar aggregate classification (germline): Benign. Review status: criteria provided, multiple submitters, no conflicts (2 of 4 stars). 3 submissions from 2 submitters: Benign (3). Last evaluated 2018-01-12.

Conditions:
Idiopathic hypereosinophilic syndrome (HES). Identifiers: Orphanet 3260, MedGen C0206141, MONDO:0011895, OMIM 607685. Disease mechanism: gain of function.
Gastrointestinal stromal tumor. Also called: Gastrointestinal stromal tumor, somatic; Gastrointestinal stroma tumor. Identifiers: Orphanet 44890, MedGen C0238198, MeSH D046152, MONDO:0011719, OMIM 606764, HP:0100723.

Allele frequency attached by ClinVar (database versions not stated): 1000 Genomes Project 0.00899; 1000 Genomes Project 30x 0.00921; TOPMed 0.02377; gnomAD exomes 0.03512.
gnomAD v4.1: 5,778 of 204,552 alleles (2.8%); highest among the groups gnomAD compares: Non-Finnish European, 4.4%; 98 homozygotes.

Submissions (3):

Illumina Laboratory Services, Illumina
Classification: Benign for Gastrointestinal stromal tumor. Last evaluated: 2018-01-12. Review status: criteria provided, single submitter. Criteria: ICSL Variant Classification Criteria 13 December 2019. Collection method: clinical testing. Allele origin: germline.
Comment: This variant was observed in the ICSL laboratory as part of a predisposition screen in an ostensibly healthy population. It had not been previously curated by ICSL or reported in the Human Gene Mutation Database (HGMD: prior to June 1st, 2018), and was therefore a candidate for classification through an automated scoring system. Utilizing variant allele frequency, disease prevalence and penetrance estimates, and inheritance mode, an automated score was calculated to assess if this variant is too frequent to cause the disease. Based on the score and internal cut-off values, a variant classified as benign is not then subjected to further curation. The score for this variant resulted in a classification of benign for this disease.

Illumina Laboratory Services, Illumina
Classification: Benign for Idiopathic hypereosinophilic syndrome. Last evaluated: 2018-01-12. Review status: criteria provided, single submitter. Criteria: ICSL Variant Classification Criteria 13 December 2019. Collection method: clinical testing. Allele origin: germline.
Comment: the same text as in the submission from Illumina Laboratory Services, Illumina above.

Breakthrough Genomics
Classification: Benign. Review status: criteria provided, single submitter. Criteria: ACMG Guidelines, 2015. Collection method: not provided. Allele origin: germline. Inheritance: Autosomal dominant inheritance. Affected: yes.